The following is an entry in ClinVar:

NM_182641.4(BPTF):c.7009G>A (p.Gly2337Arg)

Gene: BPTF (bromodomain PHD finger transcription factor; plus strand). Cytogenetic location: 17q24.2.
Variant type: single nucleotide variant.
Coding change: c.7009G>A on transcript NM_182641.4 (MANE Select); coding-DNA position 7009, G replaced by A.
Protein change: p.Gly2337Arg; replaces glycine 2337 with arginine.
Molecular consequence: missense variant.
Genome position (GRCh38, 1-based): chr17:67,945,717, G>A. VCF-style: chr17-67945717-G-A. GRCh37 (hg19) VCF-style: chr17-65941833-G-A.
Other names: c.7387G>A, p.Gly2463Arg (NM_004459.7); short protein forms G2463R, G2337R.
Identifiers: ClinVar variation 2906068 (VCV002906068.3), dbSNP rs782789451, ClinGen allele CA8726317.

ClinVar aggregate classification (germline): Uncertain significance (1 of 4 stars; one submission).

Allele frequency attached by ClinVar (database versions not stated): gnomAD exomes 0.00003; ExAC 0.00004.
gnomAD v4.1: 44 of 1,614,128 alleles (0.0027%); highest among the groups gnomAD compares: South Asian, 0.038%; no homozygotes.

Submission:

Labcorp Genetics (formerly Invitae), Labcorp
Classification: Uncertain significance. Last evaluated: 2024-10-24. Review status: criteria provided, single submitter. Criteria: Invitae Variant Classification Sherloc (09022015). Collection method: clinical testing. Allele origin: germline.
Comment: This sequence change replaces glycine, which is neutral and non-polar, with arginine, which is basic and polar, at codon 2463 of the BPTF protein (p.Gly2463Arg). This variant is present in population databases (rs782789451, gnomAD 0.04%), and has an allele count higher than expected for a pathogenic variant. This variant has not been reported in the literature in individuals affected with BPTF-related conditions. An algorithm developed to predict the effect of missense changes on protein structure and function (PolyPhen-2) suggests that this variant is likely to be disruptive. In summary, the available evidence is currently insufficient to determine the role of this variant in disease. Therefore, it has been classified as a Variant of Uncertain Significance.